The following is an entry in ClinVar:

NM_182493.3(MYLK3):c.1751G>A (p.Ser584Asn)

Gene: MYLK3 (myosin light chain kinase 3; minus strand). Cytogenetic location: 16q11.2.
Variant type: single nucleotide variant.
Coding change: c.1751G>A on transcript NM_182493.3 (MANE Select); coding-DNA position 1751, G replaced by A.
Protein change: p.Ser584Asn; replaces serine 584 with asparagine.
Molecular consequence: missense variant.
Genome position (GRCh38, 1-based): chr16:46,729,045, C>T on the plus strand (G>A on the coding strand, the complement: MYLK3 is on the minus strand). VCF-style: chr16-46729045-C-T. GRCh37 (hg19) VCF-style: chr16-46762957-C-T.
Other names: c.1751G>A (NM_182493.2); c.728G>A, p.Ser243Asn (NM_001308301.1); short protein forms S243N, S584N.
Identifiers: ClinVar variation 1493046 (VCV001493046.7), dbSNP rs755591880, ClinGen allele CA8037868.

ClinVar aggregate classification (germline): Uncertain significance. Review status: criteria provided, multiple submitters, no conflicts (2 of 4 stars). 2 submissions from 2 submitters: Uncertain significance (2). Last evaluated 2025-11-25.

Allele frequency attached by ClinVar (database versions not stated): ExAC 0.00002; gnomAD 0.00002 and 0.00003; gnomAD exomes 0.00002 and 0.00004; TOPMed 0.00002.
gnomAD v4.1: 58 of 1,613,968 alleles (0.0036%); highest among the groups gnomAD compares: South Asian, 0.0055%; no homozygotes.

Submissions (2):

Labcorp Genetics (formerly Invitae), Labcorp
Classification: Uncertain significance. Last evaluated: 2025-11-25. Review status: criteria provided, single submitter. Criteria: Invitae Variant Classification Sherloc (09022015). Collection method: clinical testing. Allele origin: germline.
Comment: This sequence change replaces serine, which is neutral and polar, with asparagine, which is neutral and polar, at codon 584 of the MYLK3 protein (p.Ser584Asn). This variant is present in population databases (rs755591880, gnomAD 0.006%). This variant has not been reported in the literature in individuals affected with MYLK3-related conditions. ClinVar contains an entry for this variant (Variation ID: 1493046). An algorithm developed to predict the effect of missense changes on protein structure and function outputs the following: PolyPhen-2: "Benign". The asparagine amino acid residue is found in multiple mammalian species, which suggests that this missense change does not adversely affect protein function. In summary, the available evidence is currently insufficient to determine the role of this variant in disease. Therefore, it has been classified as a Variant of Uncertain Significance.

Ambry Genetics
Classification: Uncertain significance. Last evaluated: 2025-08-26. Review status: criteria provided, single submitter. Criteria: Ambry Variant Classification Scheme 2023. Collection method: clinical testing. Allele origin: germline.